The following is an entry in ClinVar:

ClinVar aggregate classification (germline): Uncertain significance (1 of 4 stars; one submission).

Allele frequency attached by ClinVar (database versions not stated): TOPMed below 0.00001.

Submission:

GeneDx
Classification: Uncertain significance. Last evaluated: 2019-04-26. Review status: criteria provided, single submitter. Criteria: GeneDx Variant Classification Process June 2021. Collection method: clinical testing. Allele origin: germline. Affected: yes.
Comment: Not observed in large population cohorts (Lek et al., 2016); In silico analysis, which includes protein predictors and evolutionary conservation, supports a deleterious effect; Has not been previously published as pathogenic or benign to our knowledge

NM_024596.5(MCPH1):c.146A>G (p.His49Arg)

Gene: MCPH1 (microcephalin 1; plus strand). Cytogenetic location: 8p23.1.
Variant type: single nucleotide variant.
Coding change: c.146A>G on transcript NM_024596.5 (MANE Select); coding-DNA position 146, A replaced by G.
Protein change: p.His49Arg; replaces histidine 49 with arginine.
Molecular consequence: missense variant. On other transcripts: non-coding transcript variant (1).
Genome position (GRCh38, 1-based): chr8:6,414,796, A>G. VCF-style: chr8-6414796-A-G. GRCh37 (hg19) VCF-style: chr8-6272317-A-G.
Other names: c.146A>G, p.His49Arg (NM_001172574.2, NM_001172575.2, NM_001322042.2 and 2 more transcripts); c.140A>G, p.His47Arg (NM_001322043.2); c.44A>G, p.His15Arg (NM_001322045.2); short protein forms H15R, H47R, H49R.
Identifiers: ClinVar variation 1305462 (VCV001305462.2), dbSNP rs1799025968, ClinGen allele CA370215974.